The following is an entry in ClinVar:

NM_181426.2(CCDC39):c.1612C>G (p.Leu538Val)

Gene: CCDC39 (coiled-coil domain 39 molecular ruler complex subunit; minus strand). Cytogenetic location: 3q26.33.
Variant type: single nucleotide variant.
Coding change: c.1612C>G on transcript NM_181426.2 (MANE Select); coding-DNA position 1612, C replaced by G.
Protein change: p.Leu538Val; replaces leucine 538 with valine.
Molecular consequence: missense variant.
Genome position (GRCh38, 1-based): chr3:180,644,173, G>C on the plus strand (C>G on the coding strand, the complement: CCDC39 is on the minus strand). VCF-style: chr3-180644173-G-C. GRCh37 (hg19) VCF-style: chr3-180361961-G-C.
Other names: short protein forms L538V.
Identifiers: ClinVar variation 525394 (VCV000525394.15), dbSNP rs377319302, ClinGen allele CA2715912.
Genomic context (GRCh38, chr3:180,644,173, plus strand): 5'-ACTGCACCTGCTTAAAACCTTTGGCTTTATCAAGTTCTTTCTCTGATCTGTCGATGAAAA[G>C]GTTTAGTTCATTTATTTTGGTCATAAGGGACTGTTTTTCATCACTGTTTTTACTATGTGC-3'
Protein context (NP_852091.1, residues 528-548): SLMTKINELN[Leu538Val]FIDRSEKELD

ClinVar aggregate classification (germline): Conflicting classifications of pathogenicity. Review status: criteria provided, conflicting classifications (1 of 4 stars). 4 submissions from 4 submitters: Uncertain significance (3); Likely benign (1). Last evaluated 2025-06-23.

Conditions:
Primary ciliary dyskinesia. Also called: Ciliary dyskinesia. Identifiers: Orphanet 244, MedGen C0008780, MONDO:0016575, HP:0012265.

Allele frequency attached by ClinVar (database versions not stated): ExAC 0.00004; ESP Exome Variant Server 0.00010; gnomAD exomes 0.00012; gnomAD 0.00017; TOPMed 0.00017.
gnomAD v4.1: 398 of 1,543,608 alleles (0.026%); highest among the groups gnomAD compares: Non-Finnish European, 0.034%; no homozygotes.

Submissions (4):

Ambry Genetics
Classification: Likely benign for Primary ciliary dyskinesia. Last evaluated: 2025-06-23. Review status: criteria provided, single submitter. Criteria: Ambry Variant Classification Scheme 2023. Collection method: clinical testing. Allele origin: germline.

Blueprint Genetics
Classification: Uncertain significance. Last evaluated: 2024-02-05. Review status: criteria provided, single submitter. Criteria: ACMG Guidelines, 2015. Collection method: clinical testing. Allele origin: germline.

Labcorp Genetics (formerly Invitae), Labcorp
Classification: Uncertain significance for Primary ciliary dyskinesia. Last evaluated: 2021-08-28. Review status: criteria provided, single submitter. Criteria: Invitae Variant Classification Sherloc (09022015). Collection method: clinical testing. Allele origin: germline.
Comment: This sequence change replaces leucine with valine at codon 538 of the CCDC39 protein (p.Leu538Val). The leucine residue is moderately conserved and there is a small physicochemical difference between leucine and valine. This variant is present in population databases (rs377319302, ExAC 0.01%). This variant has not been reported in the literature in individuals affected with CCDC39-related conditions. Algorithms developed to predict the effect of missense changes on protein structure and function are either unavailable or do not agree on the potential impact of this missense change (SIFT: "Tolerated"; PolyPhen-2: "Possibly Damaging"; Align-GVGD: "Class C0"). In summary, the available evidence is currently insufficient to determine the role of this variant in disease. Therefore, it has been classified as a Variant of Uncertain Significance.

UNC Molecular Genetics  Laboratory, University of North Carolina at Chapel Hill
Classification: Uncertain significance for Primary ciliary dyskinesia. Last evaluated: 2020-11-12. Review status: criteria provided, single submitter. Criteria: ACMG Guidelines, 2015. Collection method: clinical testing. Allele origin: germline. Observed: 1 heterozygote.